The following is an entry in ClinVar:

ClinVar aggregate classification (germline): Benign/Likely benign. Review status: criteria provided, multiple submitters, no conflicts (2 of 4 stars). 6 submissions from 6 submitters: Benign (1); Likely benign (5). Last evaluated 2026-06-01.

Conditions:
Temtamy preaxial brachydactyly syndrome (TPBS). Identifiers: Orphanet 363417, MedGen C1854466, MONDO:0011533, OMIM 605282.

Allele frequency attached by ClinVar (database versions not stated): 1000 Genomes Project 30x 0.00031; ESP Exome Variant Server 0.00031; 1000 Genomes Project 0.00040; gnomAD exomes 0.00054 and 0.00114; gnomAD 0.00060 and 0.00061; TOPMed 0.00091; ExAC 0.00094.
gnomAD v4.1: 903 of 1,614,202 alleles (0.056%); highest among the groups gnomAD compares: Admixed American, 0.47%; 1 homozygote.

Submissions (6):

CeGaT Center for Human Genetics Tuebingen
Classification: Likely benign. Last evaluated: 2026-06-01. Review status: criteria provided, single submitter. Criteria: CeGaT Center For Human Genetics Tuebingen Variant Classification Criteria Version 2. Collection method: clinical testing. Allele origin: germline. Affected: yes. Observed: 4 variant alleles.
Comment: CHSY1: BP4, BP7

Labcorp Genetics (formerly Invitae), Labcorp
Classification: Benign for Temtamy preaxial brachydactyly syndrome. Last evaluated: 2025-12-12. Review status: criteria provided, single submitter. Criteria: Invitae Variant Classification Sherloc (09022015). Collection method: clinical testing. Allele origin: germline.

Blueprint Genetics
Classification: Likely benign. Last evaluated: 2024-11-11. Review status: criteria provided, single submitter. Criteria: ACMG Guidelines, 2015. Collection method: clinical testing. Allele origin: germline.

GeneDx
Classification: Likely benign. Last evaluated: 2020-04-03. Review status: criteria provided, single submitter. Criteria: GeneDx Variant Classification Process June 2021. Collection method: clinical testing. Allele origin: germline. Affected: yes.

Eurofins Ntd Llc (ga)
Classification: Likely benign. Last evaluated: 2015-11-17. Review status: criteria provided, single submitter. Criteria: EGL Classification Definitions 2015. Collection method: clinical testing. Allele origin: germline. Observed: 1 variant allele, 1 heterozygote.

Breakthrough Genomics
Classification: Likely benign. Review status: criteria provided, single submitter. Criteria: ACMG Guidelines, 2015. Collection method: not provided. Allele origin: germline. Inheritance: Autosomal recessive inheritance. Affected: yes.

NM_014918.5(CHSY1):c.1218C>T (p.Asp406=)

Gene: CHSY1 (chondroitin sulfate synthase 1; minus strand). Cytogenetic location: 15q26.3.
Variant type: single nucleotide variant.
Coding change: c.1218C>T on transcript NM_014918.5 (MANE Select); coding-DNA position 1218, C replaced by T.
Protein change: p.Asp406=; no amino-acid change (aspartic acid 406 retained).
Molecular consequence: synonymous variant.
Genome position (GRCh38, 1-based): chr15:101,178,579, G>A on the plus strand (C>T on the coding strand, the complement: CHSY1 is on the minus strand). VCF-style: chr15-101178579-G-A. GRCh37 (hg19) VCF-style: chr15-101718784-G-A.
Identifiers: ClinVar variation 284529 (VCV000284529.42), dbSNP rs113219895, ClinGen allele CA7762576.
Genomic context (GRCh38, chr15:101,178,579, plus strand): 5'-GATGCGCCCTCTGGTCTTGGCGTTGGCATTGATCATCTCCATGACCTGCATGACAATGTC[G>A]TCCAAGGCTTCCCTCTGGGCGGAGTCCATTCCTCTTCGAGGGGGCTGGCCGTCAACTGCC-3'
Protein context (NP_055733.2, residues 396-416): GMDSAQREAL[Asp406=]DIVMQVMEMI